The following is an entry in ClinVar:

NM_182916.3(TRNT1):c.12C>T (p.Cys4=)

Gene: TRNT1 (tRNA nucleotidyl transferase 1; plus strand). Cytogenetic location: 3p26.2.
Variant type: single nucleotide variant.
Coding change: c.12C>T on transcript NM_182916.3 (MANE Select); coding-DNA position 12, C replaced by T.
Protein change: p.Cys4=; no amino-acid change (cysteine 4 retained).
Molecular consequence: synonymous variant. On other transcripts: non-coding transcript variant (11).
Genome position (GRCh38, 1-based): chr3:3,129,052, C>T. VCF-style: chr3-3129052-C-T. GRCh37 (hg19) VCF-style: chr3-3170736-C-T.
Other names: c.12C>T, p.Cys4= (NM_001302946.2, NM_001367321.1, NM_001367322.1 and 1 more transcripts).
Identifiers: ClinVar variation 2116264 (VCV002116264.4), dbSNP rs1000716506, ClinGen allele CA432108131.

ClinVar aggregate classification (germline): Uncertain significance (1 of 4 stars; one submission).

Conditions:
Congenital sideroblastic anemia-B-cell immunodeficiency-periodic fever-developmental delay syndrome. Also called: Sideroblastic anemia with B-cell immunodeficiency, periodic fevers, and developmental delay. Identifiers: Orphanet 369861, MedGen C4015172, MONDO:0014487, OMIM 616084.

Allele frequency attached by ClinVar (database versions not stated): gnomAD exomes below 0.00001.
gnomAD v4.1: 1 of 1,610,378 alleles (0.000062%); highest among the groups gnomAD compares: Non-Finnish European, 0.000085%; no homozygotes.

Submission:

Labcorp Genetics (formerly Invitae), Labcorp
Classification: Uncertain significance for Congenital sideroblastic anemia-B-cell immunodeficiency-periodic fever-developmental delay syndrome. Last evaluated: 2022-04-18. Review status: criteria provided, single submitter. Criteria: Invitae Variant Classification Sherloc (09022015). Collection method: clinical testing. Allele origin: germline.
Comment: This variant is not present in population databases (gnomAD no frequency). In summary, the available evidence is currently insufficient to determine the role of this variant in disease. Therefore, it has been classified as a Variant of Uncertain Significance. Algorithms developed to predict the effect of sequence changes on RNA splicing suggest that this variant may create or strengthen a splice site. This variant has not been reported in the literature in individuals affected with TRNT1-related conditions. This sequence change affects codon 4 of the TRNT1 mRNA. It is a 'silent' change, meaning that it does not change the encoded amino acid sequence of the TRNT1 protein.